The following is an entry in ClinVar:

NM_000363.5(TNNI3):c.570C>G (p.Asp190Glu)

Gene: TNNI3 (troponin I3, cardiac type; minus strand). Cytogenetic location: 19q13.42.
Variant type: single nucleotide variant.
Coding change: c.570C>G on transcript NM_000363.5 (MANE Select); coding-DNA position 570, C replaced by G.
Protein change: p.Asp190Glu; replaces aspartic acid 190 with glutamic acid.
Molecular consequence: missense variant.
Genome position (GRCh38, 1-based): chr19:55,151,897, G>C on the plus strand (C>G on the coding strand, the complement: TNNI3 is on the minus strand). VCF-style: chr19-55151897-G-C. GRCh37 (hg19) VCF-style: chr19-55663265-G-C.
Other names: c.570C>G (LRG_432t1); short protein forms D190E.
Identifiers: ClinVar variation 430246 (VCV000430246.2), dbSNP rs1131691856, ClinGen allele CA407439634.

ClinVar aggregate classification (germline): Uncertain significance (1 of 4 stars; one submission).

Submission:

GeneDx
Classification: Uncertain significance. Last evaluated: 2017-05-24. Review status: criteria provided, single submitter. Criteria: GeneDx Variant Classification (06012015). Collection method: clinical testing. Allele origin: germline. Affected: yes.
Comment: Although the D190E variant of uncertain significance in the TNNI3 gene has not been published as pathogenic or been reported as benign to our knowledge, variants affecting the same residue (D190G, D190Y) have been reported in association with RCM and HCM (Mogensen et al., 2003; Walsh et al., 2017). However, while the D190G and D190Y variants are non-conservative amino acid substitution, which are likely to impact secondary protein structure as these residues differ in polarity, charge, size and/or other properties, the D190E variant is conservative amino acid substitution, which is not likely to impact secondary protein structure as these residues share similar properties. Nevertheless, the D190E variant occurs at a position that is conserved across species and in silico analysis predicts this variant is probably damaging to the protein structure/function. Additionally, missense variants in nearby residues (R186Q, R192H, N194S) have been reported in the Human Gene Mutation Database in association with HCM and RCM (Stenson et al., 2014), supporting the functional importance of this residue and this region of the protein. Furthermore, the D190E variant is not observed in large population cohorts (Lek et al., 2016; 1000 Genomes Consortium et al., 2015; Exome Variant Server). Despite this, the D190E variant lacks observation in a significant number of affected individuals, segregation data, and functional evidence, which would further clarify its pathogenicity.